The following is an entry in ClinVar:

NM_000612.6(IGF2):c.99C>A (p.Cys33Ter)

Genes: INS-IGF2 (INS-IGF2 readthrough; minus strand), IGF2 (insulin like growth factor 2; minus strand). Cytogenetic location: 11p15.5.
Variant type: single nucleotide variant.
Coding change: c.99C>A on transcript NM_000612.6 (MANE Select); coding-DNA position 99, C replaced by A.
Protein change: p.Cys33Ter; replaces cysteine 33 with a stop codon.
Molecular consequence: nonsense. On other transcripts: non-coding transcript variant (1).
Genome position (GRCh38, 1-based): chr11:2,135,425, G>T on the plus strand (C>A on the coding strand, the complement: IGF2 is on the minus strand). VCF-style: chr11-2135425-G-T. GRCh37 (hg19) VCF-style: chr11-2156655-G-T.
Other names: c.99C>A, p.Cys33Ter (NM_001007139.6, NM_001291861.3, NM_001291862.3); c.267C>A, p.Cys89Ter (NM_001127598.3); short protein forms C33*, C89*.
Identifiers: ClinVar variation 373080 (VCV000373080.2), dbSNP rs553443857, ClinGen allele CA16042772.

ClinVar aggregate classification (germline): Pathogenic (1 of 4 stars; one submission).

Submission:

GeneDx
Classification: Pathogenic. Last evaluated: 2016-11-07. Review status: criteria provided, single submitter. Criteria: GeneDx Variant Classification (06012015). Collection method: clinical testing. Allele origin: germline. Affected: yes.
Comment: The C33X variant in the IGF2 gene has not been reported previously as a pathogenic variant nor as a benign variant, to our knowledge. This variant is predicted to cause loss of normal protein function either through protein truncation or nonsense-mediated mRNA decay. The C33X variant was not observed in approximately 6500 individuals of European and African American ancestry in the NHLBI Exome Sequencing Project, indicating it is not a common benign variant in these populations. We interpret C33X as a pathogenic variant.